The following is an entry in ClinVar:

NM_001040108.2(MLH3):c.4183C>G (p.His1395Asp)

Gene: MLH3 (mutL homolog 3; minus strand). Cytogenetic location: 14q24.3.
Variant type: single nucleotide variant.
Coding change: c.4183C>G on transcript NM_001040108.2 (MANE Select); coding-DNA position 4183, C replaced by G.
Protein change: p.His1395Asp; replaces histidine 1395 with aspartic acid.
Molecular consequence: missense variant.
Genome position (GRCh38, 1-based): chr14:75,018,888, G>C on the plus strand (C>G on the coding strand, the complement: MLH3 is on the minus strand). VCF-style: chr14-75018888-G-C. GRCh37 (hg19) VCF-style: chr14-75485591-G-C.
Other names: c.4111C>G, p.His1371Asp (NM_014381.3); short protein forms H1371D, H1395D.
Identifiers: ClinVar variation 1059482 (VCV001059482.13), dbSNP rs762922917, ClinGen allele CA7275206.

ClinVar aggregate classification (germline): Uncertain significance. Review status: criteria provided, multiple submitters, no conflicts (2 of 4 stars). 2 submissions from 2 submitters: Uncertain significance (2). Last evaluated 2025-12-21.

Conditions:
Colorectal cancer, hereditary nonpolyposis, type 7. Identifiers: Orphanet 144, MedGen C1858380, MONDO:0013725, OMIM 614385.

Allele frequency attached by ClinVar (database versions not stated): ExAC 0.00001; gnomAD 0.00001; gnomAD exomes 0.00001 and below 0.00001.
gnomAD v4.1: 21 of 1,614,034 alleles (0.0013%); highest among the groups gnomAD compares: Non-Finnish European, 0.0017%; no homozygotes.

Submissions (2):

Ambry Genetics
Classification: Uncertain significance. Last evaluated: 2025-12-21. Review status: criteria provided, single submitter. Criteria: Ambry Variant Classification Scheme 2023. Collection method: clinical testing. Allele origin: germline.
Comment: The p.H1395D variant (also known as c.4183C>G), located in coding exon 11 of the MLH3 gene, results from a C to G substitution at nucleotide position 4183. The histidine at codon 1395 is replaced by aspartic acid, an amino acid with similar properties. This amino acid position is conserved. In addition, this alteration is predicted to be deleterious by in silico analysis. Since supporting evidence is limited at this time, the clinical significance of this alteration remains unclear.

Labcorp Genetics (formerly Invitae), Labcorp
Classification: Uncertain significance for Colorectal cancer, hereditary nonpolyposis, type 7. Last evaluated: 2020-05-06. Review status: criteria provided, single submitter. Criteria: Invitae Variant Classification Sherloc (09022015). Collection method: clinical testing. Allele origin: germline.
Comment: In summary, the available evidence is currently insufficient to determine the role of this variant in disease. Therefore, it has been classified as a Variant of Uncertain Significance. Algorithms developed to predict the effect of missense changes on protein structure and function (SIFT, PolyPhen-2, Align-GVGD) all suggest that this variant is likely to be disruptive, but these predictions have not been confirmed by published functional studies and their clinical significance is uncertain. This variant has not been reported in the literature in individuals with MLH3-related conditions. This variant is present in population databases (rs762922917, ExAC 0.001%). This sequence change replaces histidine with aspartic acid at codon 1395 of the MLH3 protein (p.His1395Asp). The histidine residue is highly conserved and there is a moderate physicochemical difference between histidine and aspartic acid.